The following is an entry in ClinVar:

ClinVar aggregate classification (germline): Conflicting classifications of pathogenicity. Review status: criteria provided, conflicting classifications (1 of 4 stars). 9 submissions from 9 submitters: Pathogenic (1); Likely pathogenic (6); Uncertain significance (1). 1 of the submissions does not count toward it. Last evaluated 2025-05-22.

Conditions:
Neuronal ceroid lipofuscinosis. Also called: Neuronal Ceroid Lipofuscinoses. Identifiers: Orphanet 216, Orphanet 79263, MedGen C0027877, MONDO:0016295. Disease mechanism: loss of function.
Neuronal ceroid lipofuscinosis 1 (CLN1). Also called: CEROID LIPOFUSCINOSIS, NEURONAL, 1, VARIABLE AGE AT ONSET; PPT1-Related Neuronal Ceroid-Lipofuscinosis. Identifiers: Orphanet 228329, MedGen C1850451, MONDO:0009744, OMIM 256730.

Allele frequency attached by ClinVar (database versions not stated): gnomAD exomes below 0.00001.

Submissions (9):

Natera, Inc.
Classification: Likely pathogenic for Neuronal ceroid lipofuscinosis 1. Last evaluated: 2025-05-22. Review status: criteria provided, single submitter. Criteria: Natera Variant Classification Schema (03/2026). Collection method: clinical testing. Allele origin: germline.
Comment: The c.674T>C variant in PPT1 is a missense variant predicted to cause substitution of phenylalanine to serine at amino acid 225. This variant is rare in the general population with a frequency below the threshold expected for the associated phenotype(s). This variant has been observed in one or more individuals affected with the associated recessive disease, as either homozygous or compound heterozygous with a second variant (PMID: 31741823, 34695666). This variant has been identified in one or more affected individuals with a phenotype highly consistent with the associated gene (PMID: 34695666). Computational prediction algorithms indicate this variant is likely to affect gene or protein function. Given the available evidence, this variant is classified as Likely Pathogenic.

CeGaT Center for Human Genetics Tuebingen
Classification: Likely pathogenic. Last evaluated: 2024-07-01. Review status: criteria provided, single submitter. Criteria: CeGaT Center For Human Genetics Tuebingen Variant Classification Criteria Version 2. Collection method: clinical testing. Allele origin: germline. Affected: yes. Observed: 3 variant alleles.
Comment: PPT1: PM3:Strong, PM1, PM2, PP3

Labcorp Genetics (formerly Invitae), Labcorp
Classification: Uncertain significance for Neuronal ceroid lipofuscinosis 1. Last evaluated: 2024-06-03. Review status: criteria provided, single submitter. Criteria: Invitae Variant Classification Sherloc (09022015). Collection method: clinical testing. Allele origin: germline.
Comment: This sequence change replaces phenylalanine, which is neutral and non-polar, with serine, which is neutral and polar, at codon 225 of the PPT1 protein (p.Phe225Ser). This variant is present in population databases (rs386833662, gnomAD 0.003%). This missense change has been observed in individual(s) with neuronal ceroid lipofuscinosis (PMID: 11589012, 31741823). ClinVar contains an entry for this variant (Variation ID: 56211). Advanced modeling of protein sequence and biophysical properties (such as structural, functional, and spatial information, amino acid conservation, physicochemical variation, residue mobility, and thermodynamic stability) performed at Invitae indicates that this missense variant is expected to disrupt PPT1 protein function with a positive predictive value of 95%. In summary, the available evidence is currently insufficient to determine the role of this variant in disease. Therefore, it has been classified as a Variant of Uncertain Significance.

Baylor Genetics
Classification: Likely pathogenic for Neuronal ceroid lipofuscinosis 1. Last evaluated: 2024-02-14. Review status: criteria provided, single submitter. Criteria: ACMG Guidelines, 2015. Collection method: clinical testing. Allele origin: unknown.

Mayo Clinic Laboratories, Mayo Clinic
Classification: Likely pathogenic. Last evaluated: 2023-11-06. Review status: criteria provided, single submitter. Criteria: ACMG Guidelines, 2015. Collection method: clinical testing. Allele origin: germline. Observed: 1 variant allele.
Comment: PP3, PP4, PM2_moderate, PM3, PS4_moderate

GeneDx
Classification: Likely pathogenic. Last evaluated: 2023-03-13. Review status: criteria provided, single submitter. Criteria: GeneDx Variant Classification Process June 2021. Collection method: clinical testing. Allele origin: germline. Affected: yes.
Comment: In silico analysis supports that this missense variant has a deleterious effect on protein structure/function; Not observed at significant frequency in large population cohorts (gnomAD); This variant is associated with the following publications: (PMID: 11589007, 11589012, 12125808, 14997939, 31741823, 34695666, Sangeeth_2019_Poster)

Women's Health and Genetics/Laboratory Corporation of America, LabCorp
Classification: Pathogenic for Neuronal ceroid lipofuscinosis. Last evaluated: 2021-10-11. Review status: criteria provided, single submitter. Criteria: LabCorp Variant Classification Summary - May 2015. Collection method: clinical testing. Allele origin: germline.
Comment: Variant summary: PPT1 c.674T>C (p.Phe225Ser) results in a non-conservative amino acid change in the encoded protein sequence. Five of five in-silico tools predict a damaging effect of the variant on protein function. The variant allele was found at a frequency of 4e-06 in 251426 control chromosomes (gnomAD). c.674T>C has been reported in the literature in multiple individuals affected with Neuronal Ceroid-Lipofuscinosis (Batten Disease) (e.g. Mole_2001, Jilani_2019, Sangeeth_2019, Nouri_2021). These data indicate that the variant is very likely to be associated with disease. To our knowledge, no experimental evidence demonstrating an impact on protein function has been reported. No clinical diagnostic laboratories have submitted clinical-significance assessments for this variant to ClinVar after 2014. Based on the evidence outlined above, the variant was classified as pathogenic.

3billion
Classification: Likely pathogenic for Neuronal ceroid lipofuscinosis 1. Review status: criteria provided, single submitter. Criteria: ACMG Guidelines, 2015. Collection method: clinical testing. Allele origin: unknown. Affected: yes. Observed: 1 homozygote.
Comment: The missense variant is observed at an extremely low frequency in the gnomAD v2.1.1 dataset (total allele frequency: <0.001%). In silico tool predictions suggest damaging effect of the variant on gene or gene product (REVEL: 0.98; 3Cnet: 0.95). The same nucleotide change resulting in the same amino acid change has been previously reported to be associated with PPT1-related disorder (ClinVar ID: VCV000056211/PMID: 11589012). The variant has been reported to be in trans with a pathogenic variant as either compound heterozygous or homozygous in at least one similarly affected unrelated individual (PMID: 11589012, 21990111, 31741823). Therefore, this variant is classified as likely pathogenic according to the recommendation of ACMG/AMP guideline.

Juha Muilu Group; Institute for Molecular Medicine Finland (FIMM)
Classification: Likely pathogenic for Ceroid lipofuscinosis neuronal 1. Review status: no assertion criteria provided. Collection method: not provided. Allele origin: unknown. Not counted in ClinVar's aggregate classification.
Comment: FinDis database variant: This variant was not found or characterized by our laboratory, data were collected from public sources: see reference
ClinVar note: Converted during submission from probable-pathogenic to Likely pathogenic.

Literature cited by the submitters: PubMed 31741823 (cited by 5 submitters); PubMed 34695666 (cited by Natera, Inc. and Mayo Clinic Laboratories, Mayo Clinic); PubMed 11589012 (cited by 4 submitters); PubMed 10781062 (cited by Mayo Clinic Laboratories, Mayo Clinic); PubMed 11589007 (cited by Mayo Clinic Laboratories, Mayo Clinic); PubMed 12125808 (cited by Mayo Clinic Laboratories, Mayo Clinic); PubMed 14997939 (cited by Mayo Clinic Laboratories, Mayo Clinic); PubMed 15965709 (cited by Mayo Clinic Laboratories, Mayo Clinic); PubMed 21990111 (cited by Mayo Clinic Laboratories, Mayo Clinic and 3billion).

NM_000310.4(PPT1):c.674T>C (p.Phe225Ser)

Gene: PPT1 (palmitoyl-protein thioesterase 1; minus strand). Cytogenetic location: 1p34.2.
Variant type: single nucleotide variant.
Coding change: c.674T>C on transcript NM_000310.4 (MANE Select); coding-DNA position 674, T replaced by C.
Protein change: p.Phe225Ser; replaces phenylalanine 225 with serine.
Molecular consequence: missense variant.
Genome position (GRCh38, 1-based): chr1:40,078,612, A>G on the plus strand (T>C on the coding strand, the complement: PPT1 is on the minus strand). VCF-style: chr1-40078612-A-G. GRCh37 (hg19) VCF-style: chr1-40544284-A-G.
Other names: p.Phe225Ser; c.365T>C, p.Phe122Ser (NM_001142604.2); c.674T>C, p.Phe225Ser (NM_001363695.2); short protein forms F122S, F225S.
Identifiers: ClinVar variation 56211 (VCV000056211.33), dbSNP rs386833662, ClinGen allele CA263540.